The following is an entry in ClinVar:

NM_000138.5(FBN1):c.5143A>T (p.Thr1715Ser)

Gene: FBN1 (fibrillin 1; minus strand). Cytogenetic location: 15q21.1.
Variant type: single nucleotide variant.
Coding change: c.5143A>T on transcript NM_000138.5 (MANE Select); coding-DNA position 5143, A replaced by T.
Protein change: p.Thr1715Ser; replaces threonine 1715 with serine.
Molecular consequence: missense variant.
Genome position (GRCh38, 1-based): chr15:48,463,163, T>A on the plus strand (A>T on the coding strand, the complement: FBN1 is on the minus strand). VCF-style: chr15-48463163-T-A. GRCh37 (hg19) VCF-style: chr15-48755360-T-A.
Other names: c.5143A>T, p.Thr1715Ser (NM_001406716.1); short protein forms T1715S.
Identifiers: ClinVar variation 5039956 (VCV005039956.1).

ClinVar aggregate classification (germline): Uncertain significance (1 of 4 stars; one submission).

Submission:

CeGaT Center for Human Genetics Tuebingen
Classification: Uncertain significance. Last evaluated: 2026-06-01. Review status: criteria provided, single submitter. Criteria: CeGaT Center For Human Genetics Tuebingen Variant Classification Criteria Version 2. Collection method: clinical testing. Allele origin: germline. Affected: yes. Observed: 1 variant allele.
Comment: FBN1: PM2, PP3